The following is an entry in ClinVar:

NM_001165963.4(SCN1A):c.2681C>A (p.Thr894Asn)

Gene: SCN1A (sodium voltage-gated channel alpha subunit 1; minus strand). Cytogenetic location: 2q24.3.
Variant type: single nucleotide variant.
Coding change: c.2681C>A on transcript NM_001165963.4 (MANE Select); coding-DNA position 2681, C replaced by A.
Protein change: p.Thr894Asn; replaces threonine 894 with asparagine.
Molecular consequence: missense variant. On other transcripts: non-coding transcript variant (1).
Genome position (GRCh38, 1-based): chr2:166,038,041, G>T on the plus strand (C>A on the coding strand, the complement: SCN1A is on the minus strand). VCF-style: chr2-166038041-G-T. GRCh37 (hg19) VCF-style: chr2-166894551-G-T.
Other names: c.2597C>A, p.Thr866Asn (NM_001165964.3, NM_001353957.2, NM_001353958.2); c.2681C>A, p.Thr894Asn (NM_001202435.3, NM_001353948.2); c.2648C>A, p.Thr883Asn (NM_001353949.2, NM_001353950.2, NM_001353951.2 and 2 more transcripts); c.2645C>A, p.Thr882Asn (NM_001353954.2, NM_001353955.2); c.2594C>A, p.Thr865Asn (NM_001353960.2); c.239C>A, p.Thr80Asn (NM_001353961.2); short protein forms T865N, T866N, T894N, T80N, T882N, T883N.
Identifiers: ClinVar variation 960027 (VCV000960027.11), dbSNP rs796052983, ClinGen allele CA349061606.
Genomic context (GRCh38, chr2:166,038,041, plus strand): 5'-TTACCAAAGAGCTGCATGCCGACCACGGCAAAAATGAAGACGATGATGGCCAAGACGAGG[G>T]TTAAATTTCCCAGAGCCCCCACGGAATTGCCGATGATCTTTATTAGCATATTTAACGTTG-3'
Protein context (NP_001159435.1, residues 884-904): GNSVGALGNL[Thr894Asn]LVLAIIVFIF

ClinVar aggregate classification (germline): Uncertain significance. Review status: criteria provided, multiple submitters, no conflicts (2 of 4 stars). 2 submissions from 2 submitters: Uncertain significance (2). Last evaluated 2022-12-14.

Conditions:
Early-infantile DEE. Also called: Early infantile epileptic encephalopathy with suppression bursts; Ohtahara syndrome; Early infantile epileptic encephalopathy. Identifiers: Orphanet 1934, MedGen C0393706, MONDO:0800491.

Submissions (2):

Blueprint Genetics
Classification: Uncertain significance. Last evaluated: 2022-12-14. Review status: criteria provided, single submitter. Criteria: ACMG Guidelines, 2015. Collection method: clinical testing. Allele origin: germline.

Labcorp Genetics (formerly Invitae), Labcorp
Classification: Uncertain significance for Early-infantile DEE. Last evaluated: 2021-12-02. Review status: criteria provided, single submitter. Criteria: Invitae Variant Classification Sherloc (09022015). Collection method: clinical testing. Allele origin: germline.
Comment: This sequence change replaces threonine, which is neutral and polar, with asparagine, which is neutral and polar, at codon 894 of the SCN1A protein (p.Thr894Asn). This variant is not present in population databases (gnomAD no frequency). This variant has not been reported in the literature in individuals affected with SCN1A-related conditions. ClinVar contains an entry for this variant (Variation ID: 960027). Advanced modeling of protein sequence and biophysical properties (such as structural, functional, and spatial information, amino acid conservation, physicochemical variation, residue mobility, and thermodynamic stability) performed at Invitae indicates that this missense variant is expected to disrupt SCN1A protein function. In summary, the available evidence is currently insufficient to determine the role of this variant in disease. Therefore, it has been classified as a Variant of Uncertain Significance.